The following is an entry in ClinVar:

ClinVar aggregate classification (germline): Likely benign (1 of 4 stars; one submission).

gnomAD v4.1: 209 of 1,210,786 alleles (0.017%); highest among the groups gnomAD compares: Non-Finnish European, 0.023%; no homozygotes.

Submission:

CeGaT Center for Human Genetics Tuebingen
Classification: Likely benign. Last evaluated: 2025-01-01. Review status: criteria provided, single submitter. Criteria: CeGaT Center For Human Genetics Tuebingen Variant Classification Criteria Version 2. Collection method: clinical testing. Allele origin: germline. Affected: yes. Observed: 1 variant allele.
Comment: FTSJ1: BP4, BP7, BS2

NM_012280.4(FTSJ1):c.510G>A (p.Leu170=)

Gene: FTSJ1 (FtsJ RNA 2'-O-methyltransferase 1; plus strand). Cytogenetic location: Xp11.23.
Variant type: single nucleotide variant.
Coding change: c.510G>A on transcript NM_012280.4 (MANE Select); coding-DNA position 510, G replaced by A.
Protein change: p.Leu170=; no amino-acid change (leucine 170 retained).
Molecular consequence: synonymous variant.
Genome position (GRCh38, 1-based): chrX:48,481,467, G>A. VCF-style: chrX-48481467-G-A. GRCh37 (hg19) VCF-style: chrX-48339855-G-A.
Other names: c.99G>A, p.Leu33= (NM_001282157.2); c.510G>A, p.Leu170= (NM_177439.3).
Identifiers: ClinVar variation 3771441 (VCV003771441.13).
Genomic context (GRCh38, chrX:48,481,467, plus strand): 5'-TTGCCTTCTCACCCTGCAGATATTCCGAGGCCGGGATGTGACGCTCCTCTACAGCCAGCT[G>A]CAGGTCTTCTTCTCCAGCGTGCTGTGTGCCAAGCCCAGGAGCAGCCGGAACTCTAGCATC-3'
Protein context (NP_036412.1, residues 160-180): GRDVTLLYSQ[Leu170=]QVFFSSVLCA